The following is an entry in ClinVar:

ClinVar aggregate classification (germline): Uncertain significance (1 of 4 stars; one submission).

Submission:

Labcorp Genetics (formerly Invitae), Labcorp
Classification: Uncertain significance. Last evaluated: 2022-06-09. Review status: criteria provided, single submitter. Criteria: Invitae Variant Classification Sherloc (09022015). Collection method: clinical testing. Allele origin: germline.
Comment: This sequence change replaces glutamine, which is neutral and polar, with glutamic acid, which is acidic and polar, at codon 1214 of the CPLANE1 protein (p.Gln1214Glu). In summary, the available evidence is currently insufficient to determine the role of this variant in disease. Therefore, it has been classified as a Variant of Uncertain Significance. Experimental studies and prediction algorithms are not available or were not evaluated, and the functional significance of this variant is currently unknown. This variant has not been reported in the literature in individuals affected with CPLANE1-related conditions. Information on the frequency of this variant in the gnomAD database is not available, as this variant may be reported differently in the database.

NM_001384732.1(CPLANE1):c.3639_3640delinsAG (p.Gln1214Glu)

Gene: CPLANE1 (ciliogenesis and planar polarity effector complex subunit 1; minus strand). Cytogenetic location: 5p13.2.
Variant type: Indel.
Coding change: c.3639_3640delinsAG on transcript NM_001384732.1 (MANE Select); coding-DNA positions 3639 to 3640, GC replaced by AG.
Protein change: p.Gln1214Glu; replaces glutamine 1214 with glutamic acid.
Molecular consequence: missense variant.
Genome position (GRCh38, 1-based): chr5:37,198,734-37,198,735, GC replaced by CT on the plus strand (GC replaced by AG on the coding strand, the reverse complement: CPLANE1 is on the minus strand). VCF-style: chr5-37198734-GC-CT. GRCh37 (hg19) VCF-style: chr5-37198836-GC-CT.
Other names: c.3639_3640delinsAG, p.Gln1214Glu (NM_023073.4); short protein forms Q1214E.
Identifiers: ClinVar variation 2003813 (VCV002003813.4), dbSNP rs2548105360, ClinGen allele CA2580073231.
Genomic context (GRCh38, chr5:37,198,734, plus strand): 5'-CATGTAAATGACTAAGATATTTCCATACCTTCTGCATGACTTTTCTTGCCCACCTCAACT[GC>CT]AATATATACCACTGTGCTACAGGAAAAGAACACTGAGCCGCCCGGAAAAGCAGGAGAACA-3'
Protein context (NP_001371661.1, residues 1204-1224): SFPVAQWYIL[Gln1214Glu]LRWARKVMQK